The following is an entry in ClinVar:

ClinVar aggregate classification (germline): Uncertain significance (0 of 4 stars; one submission).

Conditions:
NRP2-related disorder. Also called: NRP2-related condition.

gnomAD v4.1: 6 of 1,614,188 alleles (0.00037%); highest among the groups gnomAD compares: East Asian, 0.0089%; no homozygotes.

Submission:

PreventionGenetics, part of Exact Sciences
Classification: Uncertain significance for NRP2-related condition. Last evaluated: 2024-08-13. Review status: no assertion criteria provided. Collection method: clinical testing. Allele origin: germline.
Comment: The NRP2 c.847A>G variant is predicted to result in the amino acid substitution p.Met283Val. To our knowledge, this variant has not been reported in the literature. This variant is reported in 0.011% of alleles in individuals of East Asian descent in gnomAD. At this time, the clinical significance of this variant is uncertain due to the absence of conclusive functional and genetic evidence.

NM_003872.3(NRP2):c.847A>G (p.Met283Val)

Gene: NRP2 (neuropilin 2; plus strand). Cytogenetic location: 2q33.3.
Variant type: single nucleotide variant.
Coding change: c.847A>G on transcript NM_003872.3 (MANE Select); coding-DNA position 847, A replaced by G.
Protein change: p.Met283Val; replaces methionine 283 with valine.
Molecular consequence: missense variant.
Genome position (GRCh38, 1-based): chr2:205,725,939, A>G. VCF-style: chr2-205725939-A-G. GRCh37 (hg19) VCF-style: chr2-206590663-A-G.
Other names: c.847A>G, p.Met283Val (NM_018534.4, NM_201264.2, NM_201266.2 and 2 more transcripts); short protein forms M283V.
Identifiers: ClinVar variation 3347686 (VCV003347686.1).